The following is an entry in ClinVar:

NM_001283009.2(RTEL1):c.2944C>G (p.His982Asp)

Genes: RTEL1 (regulator of telomere elongation helicase 1; plus strand), RTEL1-TNFRSF6B (RTEL1-TNFRSF6B readthrough (NMD candidate); plus strand). Cytogenetic location: 20q13.33.
Variant type: single nucleotide variant.
Coding change: c.2944C>G on transcript NM_001283009.2 (MANE Select); coding-DNA position 2944, C replaced by G.
Protein change: p.His982Asp; replaces histidine 982 with aspartic acid.
Molecular consequence: missense variant. On other transcripts: non-coding transcript variant (1).
Genome position (GRCh38, 1-based): chr20:63,693,235, C>G. VCF-style: chr20-63693235-C-G. GRCh37 (hg19) VCF-style: chr20-62324588-C-G.
Other names: c.2275C>G, p.His759Asp (NM_001283010.1); c.2944C>G, p.His982Asp (NM_016434.4); c.3016C>G, p.His1006Asp (NM_032957.5); short protein forms H1006D, H759D, H982D.
Identifiers: ClinVar variation 4157667 (VCV004157667.1).

ClinVar aggregate classification (germline): Uncertain significance (1 of 4 stars; one submission).

Conditions:
Inborn genetic diseases. Identifiers: MedGen C0950123, MeSH D030342.

Submission:

Ambry Genetics
Classification: Uncertain significance for Inborn genetic diseases. Last evaluated: 2025-08-14. Review status: criteria provided, single submitter. Criteria: Ambry Variant Classification Scheme 2023. Collection method: clinical testing. Allele origin: germline.
Comment: The p.H982D variant (also known as c.2944C>G), located in coding exon 29 of the RTEL1 gene, results from a C to G substitution at nucleotide position 2944. The histidine at codon 982 is replaced by aspartic acid, an amino acid with similar properties. This amino acid position is conserved. In addition, this alteration is predicted to be tolerated by in silico analysis. Based on the available evidence, the clinical significance of this variant remains unclear.